The following is an entry in ClinVar:

ClinVar aggregate classification (germline): Uncertain significance. Review status: criteria provided, multiple submitters, no conflicts (2 of 4 stars). 2 submissions from 2 submitters: Uncertain significance (2). Last evaluated 2024-06-02.

Conditions:
Inborn genetic diseases. Identifiers: MedGen C0950123, MeSH D030342.

Allele frequency attached by ClinVar (database versions not stated): gnomAD 0.00005 and 0.00006; ESP Exome Variant Server 0.00008; TOPMed 0.00010.
gnomAD v4.1: 311 of 1,613,094 alleles (0.019%); highest among the groups gnomAD compares: Non-Finnish European, 0.024%; 1 homozygote.

Submissions (2):

Ambry Genetics
Classification: Uncertain significance for Inborn genetic diseases. Last evaluated: 2024-06-02. Review status: criteria provided, single submitter. Criteria: Ambry Variant Classification Scheme 2023. Collection method: clinical testing. Allele origin: germline.

Labcorp Genetics (formerly Invitae), Labcorp
Classification: Uncertain significance. Last evaluated: 2022-08-02. Review status: criteria provided, single submitter. Criteria: Invitae Variant Classification Sherloc (09022015). Collection method: clinical testing. Allele origin: germline.
Comment: This sequence change replaces proline, which is neutral and non-polar, with leucine, which is neutral and non-polar, at codon 244 of the CDT1 protein (p.Pro244Leu). This variant is present in population databases (rs145319641, gnomAD 0.01%). This variant has not been reported in the literature in individuals affected with CDT1-related conditions. ClinVar contains an entry for this variant (Variation ID: 1445198). Algorithms developed to predict the effect of missense changes on protein structure and function (SIFT, PolyPhen-2, Align-GVGD) all suggest that this variant is likely to be disruptive. In summary, the available evidence is currently insufficient to determine the role of this variant in disease. Therefore, it has been classified as a Variant of Uncertain Significance.

NM_030928.4(CDT1):c.731C>T (p.Pro244Leu)

Gene: CDT1 (chromatin licensing and DNA replication factor 1; plus strand). Cytogenetic location: 16q24.3.
Variant type: single nucleotide variant.
Coding change: c.731C>T on transcript NM_030928.4 (MANE Select); coding-DNA position 731, C replaced by T.
Protein change: p.Pro244Leu; replaces proline 244 with leucine.
Molecular consequence: missense variant.
Genome position (GRCh38, 1-based): chr16:88,805,768, C>T. VCF-style: chr16-88805768-C-T. GRCh37 (hg19) VCF-style: chr16-88872176-C-T.
Other names: c.731C>T (NM_030928.3); short protein forms P244L.
Identifiers: ClinVar variation 1445198 (VCV001445198.5), dbSNP rs145319641, ClinGen allele CA8233795.